The following is an entry in ClinVar:

ClinVar aggregate classification (germline): Uncertain significance (1 of 4 stars; one submission).

Conditions:
Pitt-Hopkins-like syndrome 2 (PTHSL2). Identifiers: Orphanet 221150, Orphanet 600663, MedGen C3280479, MONDO:0013690, OMIM 614325.

Allele frequency attached by ClinVar (database versions not stated): TOPMed below 0.00001; gnomAD 0.00001.

Submission:

Labcorp Genetics (formerly Invitae), Labcorp
Classification: Uncertain significance for Pitt-Hopkins-like syndrome 2. Last evaluated: 2021-12-13. Review status: criteria provided, single submitter. Criteria: Invitae Variant Classification Sherloc (09022015). Collection method: clinical testing. Allele origin: germline.
Comment: In summary, the available evidence is currently insufficient to determine the role of this variant in disease. Therefore, it has been classified as a Variant of Uncertain Significance. Algorithms developed to predict the effect of missense changes on protein structure and function are either unavailable or do not agree on the potential impact of this missense change (SIFT: "Deleterious"; PolyPhen-2: "Benign"; Align-GVGD: "Class C0"). This variant has not been reported in the literature in individuals affected with NRXN1-related conditions. This variant is not present in population databases (gnomAD no frequency). This sequence change replaces threonine, which is neutral and polar, with arginine, which is basic and polar, at codon 84 of the NRXN1 protein (p.Thr84Arg).

NM_001330078.2(NRXN1):c.251C>G (p.Thr84Arg)

Gene: NRXN1 (neurexin 1; minus strand). Cytogenetic location: 2p16.3.
Variant type: single nucleotide variant.
Coding change: c.251C>G on transcript NM_001330078.2 (MANE Select); coding-DNA position 251, C replaced by G.
Protein change: p.Thr84Arg; replaces threonine 84 with arginine.
Molecular consequence: missense variant.
Genome position (GRCh38, 1-based): chr2:51,028,023, G>C on the plus strand (C>G on the coding strand, the complement: NRXN1 is on the minus strand). VCF-style: chr2-51028023-G-C. GRCh37 (hg19) VCF-style: chr2-51255161-G-C.
Other names: c.251C>G, p.Thr84Arg (NM_001135659.3, NM_001330077.2, NM_001330079.2 and 15 more transcripts); short protein forms T84R.
Identifiers: ClinVar variation 1494601 (VCV001494601.6), dbSNP rs1670868751, ClinGen allele CA346824376.
Genomic context (GRCh38, chr2:51,028,023, plus strand): 5'-AGGAGCGTCGCAGGCTCAGCGCAGAAGATGGAGAAGCTGAGCTGCAGGCGGCCGCCGCGC[G>C]TCAGAATCAGCTCCAGGAAGTCGCAGAAGCCCTCGTCGTCGAAGTAGAGCACGAGGCCGC-3'
Protein context (NP_001317007.1, residues 74-94): GFCDFLELIL[Thr84Arg]RGGRLQLSFS